The following is an entry in ClinVar:

NM_024577.4(SH3TC2):c.1102G>A (p.Ala368Thr)

Gene: SH3TC2 (SH3 domain and tetratricopeptide repeats 2; minus strand). Cytogenetic location: 5q32.
Variant type: single nucleotide variant.
Coding change: c.1102G>A on transcript NM_024577.4 (MANE Select); coding-DNA position 1102, G replaced by A.
Protein change: p.Ala368Thr; replaces alanine 368 with threonine.
Molecular consequence: missense variant.
Genome position (GRCh38, 1-based): chr5:149,031,587, C>T on the plus strand (G>A on the coding strand, the complement: SH3TC2 is on the minus strand). VCF-style: chr5-149031587-C-T. GRCh37 (hg19) VCF-style: chr5-148411150-C-T.
Other names: short protein forms A368T.
Identifiers: ClinVar variation 1504520 (VCV001504520.6), dbSNP rs2127398548, ClinGen allele CA361670165.

ClinVar aggregate classification (germline): Uncertain significance (1 of 4 stars; one submission).

Conditions:
Charcot-Marie-Tooth disease type 4. Also called: Charcot-Marie-Tooth, Type 4; Charcot-Marie-Tooth disease, type IV. Identifiers: Orphanet 64749, MedGen C4082197, MONDO:0018995.

Submission:

Labcorp Genetics (formerly Invitae), Labcorp
Classification: Uncertain significance for Charcot-Marie-Tooth disease type 4. Last evaluated: 2021-09-15. Review status: criteria provided, single submitter. Criteria: Invitae Variant Classification Sherloc (09022015). Collection method: clinical testing. Allele origin: germline.
Comment: This variant has not been reported in the literature in individuals affected with SH3TC2-related conditions. This variant is not present in population databases (ExAC no frequency). This sequence change replaces alanine with threonine at codon 368 of the SH3TC2 protein (p.Ala368Thr). The alanine residue is highly conserved and there is a small physicochemical difference between alanine and threonine. Advanced modeling of protein sequence and biophysical properties (such as structural, functional, and spatial information, amino acid conservation, physicochemical variation, residue mobility, and thermodynamic stability) performed at Invitae indicates that this missense variant is not expected to disrupt SH3TC2 protein function. In summary, the available evidence is currently insufficient to determine the role of this variant in disease. Therefore, it has been classified as a Variant of Uncertain Significance.